The following is an entry in ClinVar:

ClinVar aggregate classification (germline): Uncertain significance. Review status: criteria provided, multiple submitters, no conflicts (2 of 4 stars). 3 submissions from 3 submitters: Uncertain significance (3). Last evaluated 2024-05-15.

Conditions:
Inborn genetic diseases. Identifiers: MedGen C0950123, MeSH D030342.

Allele frequency attached by ClinVar (database versions not stated): TOPMed 0.00004; ExAC 0.00003; gnomAD 0.00004.
gnomAD v4.1: 96 of 1,614,114 alleles (0.0059%); highest among the groups gnomAD compares: Middle Eastern, 0.016%; no homozygotes.

Submissions (3):

Ambry Genetics
Classification: Uncertain significance for Inborn genetic diseases. Last evaluated: 2024-05-15. Review status: criteria provided, single submitter. Criteria: Ambry Variant Classification Scheme 2023. Collection method: clinical testing. Allele origin: germline.

Labcorp Genetics (formerly Invitae), Labcorp
Classification: Uncertain significance. Last evaluated: 2021-12-02. Review status: criteria provided, single submitter. Criteria: Invitae Variant Classification Sherloc (09022015). Collection method: clinical testing. Allele origin: germline.
Comment: This sequence change replaces arginine, which is basic and polar, with tryptophan, which is neutral and slightly polar, at codon 598 of the ADGRG1 protein (p.Arg598Trp). This variant is present in population databases (rs764782487, gnomAD 0.01%). This variant has not been reported in the literature in individuals affected with ADGRG1-related conditions. ClinVar contains an entry for this variant (Variation ID: 498239). Advanced modeling of protein sequence and biophysical properties (such as structural, functional, and spatial information, amino acid conservation, physicochemical variation, residue mobility, and thermodynamic stability) performed at Invitae indicates that this missense variant is expected to disrupt ADGRG1 protein function. In summary, the available evidence is currently insufficient to determine the role of this variant in disease. Therefore, it has been classified as a Variant of Uncertain Significance.

Eurofins Ntd Llc (ga)
Classification: Uncertain significance. Last evaluated: 2016-11-29. Review status: criteria provided, single submitter. Criteria: EGL Classification Definitions 2015. Collection method: clinical testing. Allele origin: germline. Observed: 1 variant allele, 1 heterozygote.

NM_201525.4(ADGRG1):c.1774C>T (p.Arg592Trp)

Gene: ADGRG1 (adhesion G protein-coupled receptor G1; plus strand). Cytogenetic location: 16q21.
Variant type: single nucleotide variant.
Coding change: c.1774C>T on transcript NM_201525.4 (MANE Select); coding-DNA position 1774, C replaced by T.
Protein change: p.Arg592Trp; replaces arginine 592 with tryptophan.
Molecular consequence: missense variant.
Genome position (GRCh38, 1-based): chr16:57,661,806, C>T. VCF-style: chr16-57661806-C-T. GRCh37 (hg19) VCF-style: chr16-57695718-C-T.
Other names: c.1774C>T, p.Arg592Trp (NM_001145770.3, NM_001145772.3, NM_001145774.3 and 7 more transcripts); c.1792C>T, p.Arg598Trp (NM_001145771.3, NM_001370428.1, NM_001370429.1 and 4 more transcripts); c.1789C>T, p.Arg597Trp (NM_001145773.3, NM_001370433.1, NM_001370434.1); c.1282C>T, p.Arg428Trp (NM_001290142.2); c.1267C>T, p.Arg423Trp (NM_001290143.2); c.1249C>T, p.Arg417Trp (NM_001290144.2, NM_001370451.1, NM_001370453.1 and 1 more transcripts); c.1771C>T, p.Arg591Trp (NM_001370441.1); c.1618C>T, p.Arg540Trp (NM_001370442.1); and 1 more; short protein forms R598W, R417W, R428W, R540W, R597W, R423W, R591W, R592W.
Identifiers: ClinVar variation 498239 (VCV000498239.8), dbSNP rs764782487, ClinGen allele CA8078853.